The following is an entry in ClinVar:

ClinVar aggregate classification (germline): Uncertain significance (1 of 4 stars; one submission).

Conditions:
Spastic paraplegia. Identifiers: MedGen C0037772, HP:0001258.

Allele frequency attached by ClinVar (database versions not stated): gnomAD exomes 0.00001; ExAC 0.00002; TOPMed 0.00002; gnomAD 0.00004; ESP Exome Variant Server 0.00008.
gnomAD v4.1: 21 of 1,614,142 alleles (0.0013%); highest among the groups gnomAD compares: Middle Eastern, 0.016%; no homozygotes.

Submission:

Labcorp Genetics (formerly Invitae), Labcorp
Classification: Uncertain significance for Spastic paraplegia. Last evaluated: 2022-11-22. Review status: criteria provided, single submitter. Criteria: Invitae Variant Classification Sherloc (09022015). Collection method: clinical testing. Allele origin: germline.
Comment: Advanced modeling of protein sequence and biophysical properties (such as structural, functional, and spatial information, amino acid conservation, physicochemical variation, residue mobility, and thermodynamic stability) performed at Invitae indicates that this missense variant is not expected to disrupt B4GALNT1 protein function. Algorithms developed to predict the effect of sequence changes on RNA splicing suggest that this variant may disrupt the consensus splice site. In summary, the available evidence is currently insufficient to determine the role of this variant in disease. Therefore, it has been classified as a Variant of Uncertain Significance. ClinVar contains an entry for this variant (Variation ID: 1417607). This variant has not been reported in the literature in individuals affected with B4GALNT1-related conditions. This variant is present in population databases (rs149358222, gnomAD 0.0009%). This sequence change replaces valine, which is neutral and non-polar, with isoleucine, which is neutral and non-polar, at codon 320 of the B4GALNT1 protein (p.Val320Ile).

NM_001478.5(B4GALNT1):c.958G>A (p.Val320Ile)

Gene: B4GALNT1 (beta-1,4-N-acetyl-galactosaminyltransferase 1; minus strand). Cytogenetic location: 12q13.3.
Variant type: single nucleotide variant.
Coding change: c.958G>A on transcript NM_001478.5 (MANE Select); coding-DNA position 958, G replaced by A.
Protein change: p.Val320Ile; replaces valine 320 with isoleucine.
Molecular consequence: missense variant.
Genome position (GRCh38, 1-based): chr12:57,628,757, C>T on the plus strand (G>A on the coding strand, the complement: B4GALNT1 is on the minus strand). VCF-style: chr12-57628757-C-T. GRCh37 (hg19) VCF-style: chr12-58022540-C-T.
Other names: c.793G>A, p.Val265Ile (NM_001276468.2); short protein forms V265I, V320I.
Identifiers: ClinVar variation 1417607 (VCV001417607.8), dbSNP rs149358222, ClinGen allele CA6655585.
Genomic context (GRCh38, chr12:57,628,757, plus strand): 5'-CCTGCTAGCTGCACACCTTGCCGAAGGGCATGAGATAGTGTTCCACGTAGGGGCCACTAA[C>T]GCGCTCTGGCTTGTCGCTGTCGTCAGCGATGACCACGGTAACCGTTGGGTAGAAGCGGCG-3'
Protein context (NP_001469.1, residues 310-330): IADDSDKPER[Val320Ile]SGPYVEHYLM